The following is an entry in ClinVar:

ClinVar aggregate classification (germline): Benign/Likely benign. Review status: criteria provided, multiple submitters, no conflicts (2 of 4 stars). 10 submissions from 9 submitters: Benign (8); Likely benign (1). 1 of the submissions does not count toward it. Last evaluated 2026-02-04.

Conditions:
Muscular dystrophy-dystroglycanopathy type B6 (MDDGB6). Also called: MUSCULAR DYSTROPHY, CONGENITAL, LARGE-RELATED; MUSCULAR DYSTROPHY, CONGENITAL, TYPE 1D; MUSCULAR DYSTROPHY-DYSTROGLYCANOPATHY (CONGENITAL WITH IMPAIRED INTELLECTUAL DEVELOPMENT), TYPE B, 6. Identifiers: MedGen C1837229, MONDO:0012138, OMIM 608840.
Muscular dystrophy-dystroglycanopathy (congenital with brain and eye anomalies), type A6. Also called: MUSCULAR DYSTROPHY-DYSTROGLYCANOPATHY (CONGENITAL WITH BRAIN AND EYE ANOMALIES), TYPE A, 6; WALKER-WARBURG SYNDROME OR MUSCLE-EYE-BRAIN DISEASE, LARGE-RELATED. Identifiers: Orphanet 588, Orphanet 899, MedGen C3150414, MONDO:0013158, OMIM 613154.

Allele frequency attached by ClinVar (database versions not stated): 1000 Genomes Project 0.01018; 1000 Genomes Project 30x 0.01046; gnomAD 0.01373 and 0.01465; ESP Exome Variant Server 0.01387; TOPMed 0.01630.
gnomAD v4.1: 4,184 of 1,604,364 alleles (0.26%); highest among the groups gnomAD compares: African/African-American, 4.7%; 92 homozygotes.

Submissions (10):

Labcorp Genetics (formerly Invitae), Labcorp
Classification: Benign for Muscular dystrophy-dystroglycanopathy type B6. Last evaluated: 2026-02-04. Review status: criteria provided, single submitter. Criteria: Invitae Variant Classification Sherloc (09022015). Collection method: clinical testing. Allele origin: germline.

Blueprint Genetics
Classification: Likely benign. Last evaluated: 2024-11-27. Review status: criteria provided, single submitter. Criteria: ACMG Guidelines, 2015. Collection method: clinical testing. Allele origin: germline.

Mayo Clinic Laboratories, Mayo Clinic
Classification: Benign. Last evaluated: 2020-01-14. Review status: criteria provided, single submitter. Criteria: ACMG Guidelines, 2015. Collection method: clinical testing. Allele origin: germline. Observed: 17 variant alleles.

Illumina Laboratory Services, Illumina
Classification: Benign for Muscular dystrophy-dystroglycanopathy (congenital with brain and eye anomalies), type A6. Last evaluated: 2018-01-13. Review status: criteria provided, single submitter. Criteria: ICSL Variant Classification Criteria 13 December 2019. Collection method: clinical testing. Allele origin: germline.
Comment: This variant was observed in the ICSL laboratory as part of a predisposition screen in an ostensibly healthy population. It had not been previously curated by ICSL or reported in the Human Gene Mutation Database (HGMD: prior to June 1st, 2018), and was therefore a candidate for classification through an automated scoring system. Utilizing variant allele frequency, disease prevalence and penetrance estimates, and inheritance mode, an automated score was calculated to assess if this variant is too frequent to cause the disease. Based on the score and internal cut-off values, a variant classified as benign is not then subjected to further curation. The score for this variant resulted in a classification of benign for this disease.

Illumina Laboratory Services, Illumina
Classification: Benign for Muscular dystrophy-dystroglycanopathy type B6. Last evaluated: 2018-01-13. Review status: criteria provided, single submitter. Criteria: ICSL Variant Classification Criteria 13 December 2019. Collection method: clinical testing. Allele origin: germline.
Comment: the same text as in the submission from Illumina Laboratory Services, Illumina above.

Athena Diagnostics
Classification: Benign. Last evaluated: 2017-03-30. Review status: criteria provided, single submitter. Criteria: Athena Diagnostics Criteria. Collection method: clinical testing. Allele origin: germline.

GeneDx
Classification: Benign. Last evaluated: 2014-10-31. Review status: criteria provided, single submitter. Criteria: GeneDx Variant Classification (06012015). Collection method: clinical testing. Allele origin: germline. Affected: yes.
Comment: This variant is considered likely benign or benign based on one or more of the following criteria: it is a conservative change, it occurs at a poorly conserved position in the protein, it is predicted to be benign by multiple in silico algorithms, and/or has population frequency not consistent with disease.

Breakthrough Genomics
Classification: Benign. Review status: criteria provided, single submitter. Criteria: ACMG Guidelines, 2015. Collection method: not provided. Allele origin: germline. Inheritance: Autosomal recessive inheritance. Affected: yes.

PreventionGenetics, part of Exact Sciences
Classification: Benign. Review status: criteria provided, single submitter. Criteria: ACMG Guidelines, 2015. Collection method: clinical testing. Allele origin: germline.

Genetic Services Laboratory, University of Chicago
Classification: Likely benign. Review status: no assertion criteria provided. Collection method: clinical testing. Allele origin: germline. Inheritance: Autosomal recessive inheritance. Not counted in ClinVar's aggregate classification.
Comment: Likely benign based on allele frequency in 1000 Genomes Project or ESP global frequency and its presence in a patient with a rare or unrelated disease phenotype. NOT Sanger confirmed

NM_133642.5(LARGE1):c.165G>C (p.Thr55=)

Gene: LARGE1 (LARGE xylosyl- and glucuronyltransferase 1; minus strand). Cytogenetic location: 22q12.3.
Variant type: single nucleotide variant.
Coding change: c.165G>C on transcript NM_133642.5 (MANE Select); coding-DNA position 165, G replaced by C.
Protein change: p.Thr55=; no amino-acid change (threonine 55 retained).
Molecular consequence: synonymous variant.
Genome position (GRCh38, 1-based): chr22:33,650,610, C>G on the plus strand (G>C on the coding strand, the complement: LARGE1 is on the minus strand). VCF-style: chr22-33650610-C-G. GRCh37 (hg19) VCF-style: chr22-34046596-C-G.
Other names: p.T55T:ACG>ACC; p.Thr55=; c.165G>C, p.Thr55= (NM_001362949.2, NM_001362951.2, NM_001362953.2 and 7 more transcripts); c.165G>C (NM_004737.6).
Identifiers: ClinVar variation 158805 (VCV000158805.23), dbSNP rs63446460, ClinGen allele CA294778.